The following is an entry in ClinVar:

NM_001110556.2(FLNA):c.3087T>C (p.Ser1029=)

Gene: FLNA (filamin A; minus strand). Cytogenetic location: Xq28.
Variant type: single nucleotide variant.
Coding change: c.3087T>C on transcript NM_001110556.2 (MANE Select); coding-DNA position 3087, T replaced by C.
Protein change: p.Ser1029=; no amino-acid change (serine 1029 retained).
Molecular consequence: synonymous variant.
Genome position (GRCh38, 1-based): chrX:154,361,428, A>G on the plus strand (T>C on the coding strand, the complement: FLNA is on the minus strand). VCF-style: chrX-154361428-A-G. GRCh37 (hg19) VCF-style: chrX-153589796-A-G.
Other names: c.3087T>C, p.Ser1029= (NM_001456.4).
Identifiers: ClinVar variation 388480 (VCV000388480.4), dbSNP rs1057523122, ClinGen allele CA16608329.

ClinVar aggregate classification (germline): Likely benign. Review status: criteria provided, multiple submitters, no conflicts (2 of 4 stars). 2 submissions from 2 submitters: Likely benign (2). Last evaluated 2023-01-15.

Conditions:
Oto-palato-digital syndrome, type II (OPD2). Also called: FACIOPALATOOSSEOUS SYNDROME; OPD II SYNDROME; Otopalatodigital Syndrome Type 2 (FLNA-OPD2); Otopalatodigital Syndrome, Type II. Identifiers: Orphanet 669, Orphanet 90652, MedGen C1844696, MONDO:0010571, OMIM 304120.
Heterotopia, periventricular, X-linked dominant (PVNH1). Also called: PERIVENTRICULAR NODULAR HETEROTOPIA 1; X-linked periventricular heterotopia; PERIVENTRICULAR NODULAR HETEROTOPIA 4; HETEROTOPIA, PERIVENTRICULAR, 1. Identifiers: Orphanet 2149, Orphanet 82004, MedGen C1848213, MONDO:0010233, OMIM 300049.
Frontometaphyseal dysplasia (FMD1). Identifiers: Orphanet 1826, MedGen C0265293, MONDO:0015942.
Melnick-Needles syndrome (MNS). Also called: MELNICK-NEEDLES OSTEODYSPLASTY; OSTEODYSPLASTY OF MELNICK AND NEEDLES; Melnick-Needles Syndrome (FLNA-MNS). Identifiers: Orphanet 2484, MedGen C0025237, MONDO:0010650, OMIM 309350.

Allele frequency attached by ClinVar (database versions not stated): gnomAD exomes 0.00001.

Submissions (2):

Labcorp Genetics (formerly Invitae), Labcorp
Classification: Likely benign for Oto-palato-digital syndrome, type II; Heterotopia, periventricular, X-linked dominant; Frontometaphyseal dysplasia; Melnick-Needles syndrome. Last evaluated: 2023-01-15. Review status: criteria provided, single submitter. Criteria: Invitae Variant Classification Sherloc (09022015). Collection method: clinical testing. Allele origin: germline.

GeneDx
Classification: Likely benign. Last evaluated: 2016-08-08. Review status: criteria provided, single submitter. Criteria: GeneDx Variant Classification (06012015). Collection method: clinical testing. Allele origin: germline. Affected: yes.
Comment: This variant is considered likely benign or benign based on one or more of the following criteria: it is a conservative change, it occurs at a poorly conserved position in the protein, it is predicted to be benign by multiple in silico algorithms, and/or has population frequency not consistent with disease.